The following is an entry in ClinVar:

NM_000222.3(KIT):c.1696A>G (p.Asn566Asp)

Gene: KIT (KIT proto-oncogene, receptor tyrosine kinase; plus strand). Cytogenetic location: 4q12.
Variant type: single nucleotide variant.
Coding change: c.1696A>G on transcript NM_000222.3 (MANE Select); coding-DNA position 1696, A replaced by G.
Protein change: p.Asn566Asp; replaces asparagine 566 with aspartic acid.
Molecular consequence: missense variant.
Genome position (GRCh38, 1-based): chr4:54,727,464, A>G. VCF-style: chr4-54727464-A-G. GRCh37 (hg19) VCF-style: chr4-55593630-A-G.
Other names: c.1684A>G, p.Asn562Asp (NM_001093772.2, NM_001385286.1); c.1699A>G, p.Asn567Asp (NM_001385284.1, NM_001385290.1); c.1696A>G, p.Asn566Asp (NM_001385285.1); c.1687A>G, p.Asn563Asp (NM_001385288.1, NM_001385292.1); short protein forms N566D, N562D, N563D, N567D.
Identifiers: ClinVar variation 375917 (VCV000375917.3), dbSNP rs1057519705, ClinGen allele CA16602399.

ClinVar aggregate classification (germline): Uncertain significance (1 of 4 stars; one submission).
ClinVar aggregate classification (oncogenicity): Uncertain significance (0 of 4 stars; one submission).

Conditions:
Gastrointestinal stromal tumor. Also called: Gastrointestinal stromal tumor, somatic; Gastrointestinal stroma tumor. Identifiers: Orphanet 44890, MedGen C0238198, MeSH D046152, MONDO:0011719, OMIM 606764, HP:0100723.

Submissions (2):

Labcorp Genetics (formerly Invitae), Labcorp
Classification: Uncertain significance for Gastrointestinal stromal tumor. Last evaluated: 2025-04-16. Review status: criteria provided, single submitter. Criteria: Invitae Variant Classification Sherloc (09022015). Collection method: clinical testing. Allele origin: germline.
Comment: This sequence change replaces asparagine, which is neutral and polar, with aspartic acid, which is acidic and polar, at codon 566 of the KIT protein (p.Asn566Asp). This variant is not present in population databases (gnomAD no frequency). This variant has not been reported in the literature in individuals affected with KIT-related conditions. ClinVar contains an entry for this variant (Variation ID: 375917). An algorithm developed to predict the effect of missense changes on protein structure and function (PolyPhen-2) suggests that this variant is likely to be disruptive. In summary, the available evidence is currently insufficient to determine the role of this variant in disease. Therefore, it has been classified as a Variant of Uncertain Significance.

National Institute of Cancer Research, National Health Research Institutes
Classification: Uncertain significance for Gastrointestinal stromal tumor. Review status: no assertion criteria provided. Collection method: research. Allele origin: somatic. Observed: 1 variant allele.
Comment: the literature